The following is an entry in ClinVar:

ClinVar aggregate classification (germline): Uncertain significance. Review status: criteria provided, multiple submitters, no conflicts (2 of 4 stars). 2 submissions from 2 submitters: Uncertain significance (2). Last evaluated 2024-12-31.

Conditions:
Agammaglobulinemia 4, autosomal recessive (AGM4). Also called: AGAMMAGLOBULINEMIA, AUTOSOMAL RECESSIVE, DUE TO BLNK DEFECT; B cell linker protein deficiency. Identifiers: MedGen C3150752, MONDO:0013289, OMIM 613502.
Inborn genetic diseases. Identifiers: MedGen C0950123, MeSH D030342.

Submissions (2):

Ambry Genetics
Classification: Uncertain significance for Inborn genetic diseases. Last evaluated: 2024-12-31. Review status: criteria provided, single submitter. Criteria: Ambry Variant Classification Scheme 2023. Collection method: clinical testing. Allele origin: germline.

Labcorp Genetics (formerly Invitae), Labcorp
Classification: Uncertain significance for Agammaglobulinemia 4, autosomal recessive. Last evaluated: 2022-05-08. Review status: criteria provided, single submitter. Criteria: Invitae Variant Classification Sherloc (09022015). Collection method: clinical testing. Allele origin: germline.
Comment: Algorithms developed to predict the effect of missense changes on protein structure and function are either unavailable or do not agree on the potential impact of this missense change (SIFT: "Deleterious"; PolyPhen-2: "Probably Damaging"; Align-GVGD: "Class C0"). In summary, the available evidence is currently insufficient to determine the role of this variant in disease. Therefore, it has been classified as a Variant of Uncertain Significance. This variant has not been reported in the literature in individuals affected with BLNK-related conditions. This variant is not present in population databases (gnomAD no frequency). This sequence change replaces asparagine, which is neutral and polar, with tyrosine, which is neutral and polar, at codon 441 of the BLNK protein (p.Asn441Tyr).

NM_013314.4(BLNK):c.1321A>T (p.Asn441Tyr)

Genes: BLNK (B cell linker; minus strand), ZNF518A (zinc finger protein 518A; plus strand). Cytogenetic location: 10q24.1.
Variant type: single nucleotide variant.
Coding change: c.1321A>T on transcript NM_013314.4 (MANE Select); coding-DNA position 1321, A replaced by T.
Protein change: p.Asn441Tyr; replaces asparagine 441 with tyrosine.
Molecular consequence: missense variant. On other transcripts: non-coding transcript variant (4).
Genome position (GRCh38, 1-based): chr10:96,192,023, T>A on the plus strand (A>T on the coding strand, the complement: BLNK is on the minus strand). VCF-style: chr10-96192023-T-A. GRCh37 (hg19) VCF-style: chr10-97951779-T-A.
Other names: c.1252A>T, p.Asn418Tyr (NM_001114094.2); c.1165A>T, p.Asn389Tyr (NM_001258440.2); c.1096A>T, p.Asn366Tyr (NM_001258441.2); c.850A>T, p.Asn284Tyr (NM_001258442.2); short protein forms N441Y, N284Y, N389Y, N418Y, N366Y.
Identifiers: ClinVar variation 2135600 (VCV002135600.5), dbSNP rs2492650827, ClinGen allele CA377715064.